The following is an entry in ClinVar:

NM_001318852.2(MAPK8IP3):c.2390T>G (p.Val797Gly)

Gene: MAPK8IP3 (mitogen-activated protein kinase 8 interacting protein 3; plus strand). Cytogenetic location: 16p13.3.
Variant type: single nucleotide variant.
Coding change: c.2390T>G on transcript NM_001318852.2 (MANE Select); coding-DNA position 2390, T replaced by G.
Protein change: p.Val797Gly; replaces valine 797 with glycine.
Molecular consequence: missense variant.
Genome position (GRCh38, 1-based): chr16:1,765,122, T>G. VCF-style: chr16-1765122-T-G. GRCh37 (hg19) VCF-style: chr16-1815123-T-G.
Other names: c.2369T>G, p.Val790Gly (NM_001040439.2); c.2387T>G, p.Val796Gly (NM_015133.5); short protein forms V797G, V796G, V790G.
Identifiers: ClinVar variation 3393871 (VCV003393871.2).

ClinVar aggregate classification (germline): Uncertain significance (1 of 4 stars; one submission).

Submission:

GeneDx
Classification: Uncertain significance. Last evaluated: 2025-06-20. Review status: criteria provided, single submitter. Criteria: GeneDx Variant Classification Process June 2021. Collection method: clinical testing. Allele origin: germline. Affected: yes.
Comment: Not observed at significant frequency in large population cohorts (gnomAD); In silico analysis supports that this missense variant has a deleterious effect on protein structure/function; Has not been previously published as pathogenic or benign to our knowledge